The following is an entry in ClinVar:

ClinVar aggregate classification (germline): Uncertain significance (1 of 4 stars; one submission).

Conditions:
Catecholaminergic polymorphic ventricular tachycardia 1. Also called: VENTRICULAR TACHYCARDIA, STRESS-INDUCED POLYMORPHIC 1; RYR2-Related Catecholaminergic Polymorphic Ventricular Tachycardia; VENTRICULAR TACHYCARDIA, CATECHOLAMINERGIC POLYMORPHIC, 1, WITH OR WITHOUT ATRIAL DYSFUNCTION AND/OR DILATED CARDIOMYOPATHY. Identifiers: Orphanet 3286, MedGen C1631597, MONDO:0011484, OMIM 604772.

Submission:

Labcorp Genetics (formerly Invitae), Labcorp
Classification: Uncertain significance for Catecholaminergic polymorphic ventricular tachycardia 1. Last evaluated: 2025-11-12. Review status: criteria provided, single submitter. Criteria: Invitae Variant Classification Sherloc (09022015). Collection method: clinical testing. Allele origin: germline.
Comment: This sequence change replaces valine, which is neutral and non-polar, with glycine, which is neutral and non-polar, at codon 2571 of the RYR2 protein (p.Val2571Gly). This variant is not present in population databases (gnomAD no frequency). This variant has not been reported in the literature in individuals affected with RYR2-related conditions. Invitae Evidence Modeling of protein sequence and biophysical properties (such as structural, functional, and spatial information, amino acid conservation, physicochemical variation, residue mobility, and thermodynamic stability) indicates that this missense variant is not expected to disrupt RYR2 protein function with a negative predictive value of 95%. In summary, the available evidence is currently insufficient to determine the role of this variant in disease. Therefore, it has been classified as a Variant of Uncertain Significance.

NM_001035.3(RYR2):c.7712T>G (p.Val2571Gly)

Gene: RYR2 (ryanodine receptor 2; plus strand). Cytogenetic location: 1q43.
Variant type: single nucleotide variant.
Coding change: c.7712T>G on transcript NM_001035.3 (MANE Select); coding-DNA position 7712, T replaced by G.
Protein change: p.Val2571Gly; replaces valine 2571 with glycine.
Molecular consequence: missense variant.
Genome position (GRCh38, 1-based): chr1:237,650,076, T>G. VCF-style: chr1-237650076-T-G. GRCh37 (hg19) VCF-style: chr1-237813376-T-G.
Other names: short protein forms V2571G.
Identifiers: ClinVar variation 4800090 (VCV004800090.1).